The following is an entry in ClinVar:

NM_199420.4(POLQ):c.1138G>C (p.Val380Leu)

Gene: POLQ (DNA polymerase theta; minus strand). Cytogenetic location: 3q13.33.
Variant type: single nucleotide variant.
Coding change: c.1138G>C on transcript NM_199420.4 (MANE Select); coding-DNA position 1138, G replaced by C.
Protein change: p.Val380Leu; replaces valine 380 with leucine.
Molecular consequence: missense variant.
Genome position (GRCh38, 1-based): chr3:121,522,120, C>G on the plus strand (G>C on the coding strand, the complement: POLQ is on the minus strand). VCF-style: chr3-121522120-C-G. GRCh37 (hg19) VCF-style: chr3-121240967-C-G.
Other names: short protein forms V380L.
Identifiers: ClinVar variation 1049034 (VCV001049034.1), dbSNP rs143855278, ClinGen allele CA2563624.

ClinVar aggregate classification (germline): Uncertain significance (0 of 4 stars; one submission).

Allele frequency attached by ClinVar (database versions not stated): ESP Exome Variant Server 0.00038; gnomAD 0.00038 and 0.00040; ExAC 0.00045; TOPMed 0.00046; gnomAD exomes 0.00048.
gnomAD v4.1: 977 of 1,607,892 alleles (0.061%); highest among the groups gnomAD compares: Non-Finnish European, 0.075%; 1 homozygote.

Submission:

Department of Pathology and Laboratory Medicine, Sinai Health System
Classification: Uncertain significance. Review status: no assertion criteria provided. Collection method: clinical testing. Allele origin: unknown. Affected: yes. Study: The Canadian Open Genetics Repository (COGR).
Comment: The POLQ p.Val380Leu variant was not identified in the literature nor was it identified in ClinVar. The variant was identified in dbSNP (ID: rs143855278) and in control databases in 116 of 261748 chromosomes at a frequency of 0.0004432 increasing the likelihood this could be a low frequency benign variant (Genome Aggregation Database March 6, 2019, v2.1.1, non-cancer). The variant was observed in the following populations: Other in 6 of 6526 chromosomes (freq: 0.000919), European (non-Finnish) in 89 of 116340 chromosomes (freq: 0.000765), Latino in 15 of 33194 chromosomes (freq: 0.000452), African in 4 of 23420 chromosomes (freq: 0.000171), European (Finnish) in 1 of 25034 chromosomes (freq: 0.00004) and South Asian in 1 of 28900 chromosomes (freq: 0.000035), but was not observed in the Ashkenazi Jewish or East Asian populations. The p.Val380 residue is not conserved in mammals and computational analyses (PolyPhen-2, SIFT, AlignGVGD, BLOSUM, MutationTaster) do not suggest a high likelihood of impact to the protein; however, this information is not predictive enough to rule out pathogenicity. The variant occurs outside of the splicing consensus sequence and 2 of 4 in silico or computational prediction software programs (SpliceSiteFinder, MaxEntScan, NNSPLICE, GeneSplicer) predict a greater than 10% difference in splicing; this is not very predictive of pathogenicity. In summary, based on the above information the clinical significance of this variant cannot be determined with certainty at this time. This variant is classified as a variant of uncertain significance.